The following is an entry in ClinVar:

NM_000260.4(MYO7A):c.6145G>A (p.Asp2049Asn)

Gene: MYO7A (myosin VIIA; plus strand). Cytogenetic location: 11q13.5.
Variant type: single nucleotide variant.
Coding change: c.6145G>A on transcript NM_000260.4 (MANE Select); coding-DNA position 6145, G replaced by A.
Protein change: p.Asp2049Asn; replaces aspartic acid 2049 with asparagine.
Molecular consequence: missense variant.
Genome position (GRCh38, 1-based): chr11:77,211,245, G>A. VCF-style: chr11-77211245-G-A. GRCh37 (hg19) VCF-style: chr11-76922290-G-A.
Other names: c.6031G>A, p.Asp2011Asn (NM_001127180.2); c.5998G>A, p.Asp2000Asn (NM_001369365.1); short protein forms D2000N, D2011N, D2049N.
Identifiers: ClinVar variation 989490 (VCV000989490.6), dbSNP rs1336095094, ClinGen allele CA381935915.

ClinVar aggregate classification (germline): Uncertain significance. Review status: criteria provided, single submitter (1 of 4 stars). 2 submissions from 2 submitters: Uncertain significance (1). 1 of the submissions does not count toward it. Last evaluated 2021-09-17.

Conditions:
Usher syndrome type 1B (USH1B). Also called: Usher syndrome type IB. Identifiers: MedGen C1848638, MONDO:0700087.

Allele frequency attached by ClinVar (database versions not stated): TOPMed below 0.00001; gnomAD 0.00001; gnomAD exomes 0.00001.
gnomAD v4.1: 7 of 1,584,650 alleles (0.00044%); highest among the groups gnomAD compares: South Asian, 0.0035%; no homozygotes.

Submissions (2):

Labcorp Genetics (formerly Invitae), Labcorp
Classification: Uncertain significance. Last evaluated: 2021-09-17. Review status: criteria provided, single submitter. Criteria: Invitae Variant Classification Sherloc (09022015). Collection method: clinical testing. Allele origin: germline.
Comment: This sequence change replaces aspartic acid with asparagine at codon 2049 of the MYO7A protein (p.Asp2049Asn). The aspartic acid residue is highly conserved and there is a small physicochemical difference between aspartic acid and asparagine. This variant is not present in population databases (ExAC no frequency). This variant has not been reported in the literature in individuals with MYO7A-related conditions. Algorithms developed to predict the effect of missense changes on protein structure and function (SIFT, PolyPhen-2, Align-GVGD) all suggest that this variant is likely to be tolerated, but these predictions have not been confirmed by published functional studies and their clinical significance is uncertain. In summary, the available evidence is currently insufficient to determine the role of this variant in disease. Therefore, it has been classified as a Variant of Uncertain Significance.

Natera, Inc.
Classification: Uncertain significance for Usher syndrome type 1B. Last evaluated: 2020-04-17. Review status: no assertion criteria provided. Collection method: clinical testing. Allele origin: germline. Not counted in ClinVar's aggregate classification.